The following is an entry in ClinVar:

NM_014363.6(SACS):c.10939G>T (p.Glu3647Ter)

Gene: SACS (sacsin molecular chaperone; minus strand). Cytogenetic location: 13q12.12.
Variant type: single nucleotide variant.
Coding change: c.10939G>T on transcript NM_014363.6 (MANE Select); coding-DNA position 10939, G replaced by T.
Protein change: p.Glu3647Ter; replaces glutamic acid 3647 with a stop codon.
Molecular consequence: nonsense.
Genome position (GRCh38, 1-based): chr13:23,332,937, C>A on the plus strand (G>T on the coding strand, the complement: SACS is on the minus strand). VCF-style: chr13-23332937-C-A. GRCh37 (hg19) VCF-style: chr13-23907076-C-A.
Other names: c.10498G>T, p.Glu3500Ter (NM_001278055.2); c.10939G>T (NM_014363.4); short protein forms E3647*, E3500*.
Identifiers: ClinVar variation 458251 (VCV000458251.11), dbSNP rs1156566314, ClinGen allele CA387511088.
Genomic context (GRCh38, chr13:23,332,937, plus strand): 5'-GAAATCTAATGAATTCCGCGGGGGCCCGCTCAGGACATAAGAATGGTATTAAAGATAGTT[C>A]TTTCAGAAAATTTCCAGATAACAAATCCATTCGTTCTTGGAATATATGATGCAGAAGGAT-3'

ClinVar aggregate classification (germline): Pathogenic/Likely pathogenic. Review status: criteria provided, multiple submitters, no conflicts (2 of 4 stars). 4 submissions from 4 submitters: Pathogenic (1); Likely pathogenic (3). Last evaluated 2026-01-28.

Conditions:
Spastic paraplegia. Identifiers: MedGen C0037772, HP:0001258.
Charlevoix-Saguenay spastic ataxia (SACS). Also called: SPASTIC ATAXIA 6, AUTOSOMAL RECESSIVE; AUTOSOMAL RECESSIVE SPASTIC ATAXIA OF CHARLEVOIX-SAGUENAY; Spastic ataxia of Charlevoix-Saguenay. Identifiers: Orphanet 98, MedGen C1849140, MONDO:0010041, OMIM 270550.

Allele frequency attached by ClinVar (database versions not stated): TOPMed 0.00001.
gnomAD v4.1: 4 of 1,613,752 alleles (0.00025%); highest among the groups gnomAD compares: African/African-American, 0.0053%; no homozygotes.

Submissions (4):

Natera, Inc.
Classification: Likely pathogenic for Charlevoix-Saguenay type spastic ataxia. Last evaluated: 2026-01-28. Review status: criteria provided, single submitter. Criteria: Natera Variant Classification Schema (03/2026). Collection method: clinical testing. Allele origin: germline.
Comment: The c.10939G>T variant in SACS is a nonsense variant predicted to introduce a stop codon at amino acid 3647. This variant is expected to result in nonsense mediated decay, truncation, or a dysfunctional protein product. This variant is rare in the general population with a frequency below the threshold expected for the associated phenotype(s). Given the available evidence, this variant is classified as Likely Pathogenic.

Baylor Genetics
Classification: Likely pathogenic for Charlevoix-Saguenay spastic ataxia. Last evaluated: 2024-03-04. Review status: criteria provided, single submitter. Criteria: ACMG Guidelines, 2015. Collection method: clinical testing. Allele origin: unknown.

Athena Diagnostics
Classification: Likely pathogenic. Last evaluated: 2023-05-16. Review status: criteria provided, single submitter. Criteria: Athena Diagnostics Criteria. Collection method: clinical testing. Allele origin: unknown.
Comment: This variant is expected to result in the loss of a functional protein. The frequency of this variant in the general population is consistent with pathogenicity.

Labcorp Genetics (formerly Invitae), Labcorp
Classification: Pathogenic for Spastic paraplegia. Last evaluated: 2020-06-21. Review status: criteria provided, single submitter. Criteria: Invitae Variant Classification Sherloc (09022015). Collection method: clinical testing. Allele origin: germline.
Comment: This variant disrupts the C-terminus of the SACS protein. Other variant(s) that disrupt this region (p.Arg3903*) have been determined to be pathogenic (PMID: 19892370, 21745802). This suggests that variants that disrupt this region of the protein are likely to be causative of disease. For these reasons, this variant has been classified as Pathogenic. This variant has not been reported in the literature in individuals with SACS-related conditions. This variant is not present in population databases (ExAC no frequency). This sequence change results in a premature translational stop signal in the SACS gene (p.Glu3647*). While this is not anticipated to result in nonsense mediated decay, it is expected to disrupt the last 933 amino acids of the SACS protein.

Literature cited by the submitters: PubMed 19892370 (cited by Labcorp Genetics (formerly Invitae), Labcorp); PubMed 21745802 (cited by Labcorp Genetics (formerly Invitae), Labcorp).